The following is an entry in ClinVar:

ClinVar aggregate classification (germline): Pathogenic. Review status: criteria provided, multiple submitters, no conflicts (2 of 4 stars). 4 submissions from 4 submitters: Pathogenic (3). 1 of the submissions does not count toward it. Last evaluated 2024-11-21.

Conditions:
Hereditary spastic paraplegia. Also called: Familial spastic paraparesis. Identifiers: Orphanet 685, MedGen C0037773, MONDO:0019064. Disease mechanism: loss of function.
Hereditary spastic paraplegia 11. Also called: SPASTIC PARAPLEGIA, AUTOSOMAL RECESSIVE, COMPLICATED, WITH THIN CORPUS CALLOSUM; SPASTIC PARAPLEGIA, AUTOSOMAL RECESSIVE, WITH MENTAL IMPAIRMENT AND THIN CORPUS CALLOSUM; Nakamura Osame syndrome; Autosomal recessive hereditary spastic paraplegia, mental impairment, and thin corpus callosum; Spastic paraplegia, mental retardation and thin corpus callosum; Spastic Paraplegia 11. Identifiers: Orphanet 2822, MedGen C1858479, MONDO:0011445, OMIM 604360.

Allele frequency attached by ClinVar (database versions not stated): gnomAD exomes below 0.00001; ExAC 0.00001; gnomAD 0.00001.

Submissions (4):

Women's Health and Genetics/Laboratory Corporation of America, LabCorp
Classification: Pathogenic for Hereditary spastic paraplegia. Last evaluated: 2024-11-21. Review status: criteria provided, single submitter. Criteria: LabCorp Variant Classification Summary - May 2015. Collection method: clinical testing. Allele origin: germline.
Comment: Variant summary: SPG11 c.5925_5934dup10 (p.Val1979X) results in a premature termination codon, predicted to cause a truncation of the encoded protein or absence of the protein due to nonsense mediated decay, which are commonly known mechanisms for disease. The variant allele was found at a frequency of 4e-06 in 251032 control chromosomes. c.5925_5934dup10 has been reported in the literature in at-least one individual affected with Hereditary Spastic Paraplegia, Type 11 (example: Wang_2021). These data indicate that the variant may be associated with disease. The following publication has been ascertained in the context of this evaluation (PMID: 33638609). ClinVar contains an entry for this variant (Variation ID: 466546). Based on the evidence outlined above, the variant was classified as pathogenic.

Labcorp Genetics (formerly Invitae), Labcorp
Classification: Pathogenic for Hereditary spastic paraplegia 11. Last evaluated: 2024-01-11. Review status: criteria provided, single submitter. Criteria: Invitae Variant Classification Sherloc (09022015). Collection method: clinical testing. Allele origin: germline.
Comment: This sequence change creates a premature translational stop signal (p.Val1979*) in the SPG11 gene. It is expected to result in an absent or disrupted protein product. Loss-of-function variants in SPG11 are known to be pathogenic (PMID: 19105190, 20110243, 22154821, 26556829). The frequency data for this variant in the population databases is considered unreliable, as metrics indicate poor data quality at this position in the gnomAD database. This premature translational stop signal has been observed in individual(s) with hereditary spastic paraplegia (PMID: 33638609). ClinVar contains an entry for this variant (Variation ID: 466546). For these reasons, this variant has been classified as Pathogenic.

Juno Genomics, Hangzhou Juno Genomics, Inc
Classification: Pathogenic for Hereditary spastic paraplegia 11. Review status: criteria provided, single submitter. Criteria: ACMG Guidelines, 2015. Collection method: clinical testing. Allele origin: germline. Affected: yes.
Comment: Absent from controls (or at extremely low frequency if recessive) in Genome Aggregation Database, Exome Sequencing Project, 1000 Genomes Project, or Exome Aggregation Consortium.;Null variant in a gene where loss of function (LOF) is a known mechanism of disease.;For recessive disorders, detected in trans with a pathogenic variant.

Department of Neurology, The Affiliated Hospital of Zunyi Medical University
Classification: Pathogenic for Hereditary spastic paraplegia 11. Last evaluated: 2023-01-04. Review status: no assertion criteria provided. Collection method: clinical testing. Allele origin: inherited. Affected: yes. Observed: 2 variant alleles. Not counted in ClinVar's aggregate classification.
Comment: This nucleotide variation could lead to the change of the codon compiling the Val1979 amino acid into a stop codon (p.Val1979Ter), resulting in the premature termination of peptide chain synthesis, which was a nonsense variation.

In silico analysis of the mutant sequences was performed. The pathogenic significance of mutations (c.6738_6739insT, c.5934_5935insTAACCTGGAA) was analyzed based on reference sequence NM_025137.3 and NP_079413.3 (SPG11 gene) by different software tools including MutationTaster (.), PolyPhen-2 (Polymorphism Phenotyping), PROVEAN (Protein Variation Effect Analyzer) (.), and CADD (Combined Annotation ependent Depletion). The results of in silico analysis showed that the mutations predicated to be disease-causing variants by MutationTaster, probably damaging by PolyPhen-2, deleterious by PROVEAN, and deleterious and pathogenic by CADD (PHRED score 25 for both variants).

Literature cited by the submitters: PubMed 33638609 (cited by Women's Health and Genetics/Laboratory Corporation of America, LabCorp and Labcorp Genetics (formerly Invitae), Labcorp); PubMed 19105190 (cited by Labcorp Genetics (formerly Invitae), Labcorp); PubMed 20110243 (cited by Labcorp Genetics (formerly Invitae), Labcorp); PubMed 22154821 (cited by Labcorp Genetics (formerly Invitae), Labcorp); PubMed 26556829 (cited by Labcorp Genetics (formerly Invitae), Labcorp).

NM_025137.4(SPG11):c.5925_5934dup (p.Val1979Ter)

Gene: SPG11 (SPG11 vesicle trafficking associated, spatacsin; minus strand). Cytogenetic location: 15q21.1.
Variant type: Duplication.
Coding change: c.5925_5934dup on transcript NM_025137.4 (MANE Select); coding-DNA positions 5925 to 5934, 10 bases duplicated (TAACCTGGAA; older notation c.5925_5934dupTAACCTGGAA).
Protein change: p.Val1979Ter; replaces valine 1979 with a stop codon.
Molecular consequence: nonsense. On other transcripts: intron variant (1).
Genome position (GRCh38, 1-based): chr15:44,574,974-44,574,983, TTCCAGGTTA duplicated on the plus strand (TAACCTGGAA on the coding strand, the reverse complement: SPG11 is on the minus strand). VCF-style (leftmost placement, unchanged base first): chr15-44574973-C-CTTCCAGGTTA. GRCh37 (hg19) VCF-style: chr15-44867171-C-CTTCCAGGTTA.
Other names: c.5925_5934dupTAACCTGGAA (NM_025137.3); c.5867-2163_5867-2154dup (NM_001160227.2); c.5925_5934dup10 (NM_025137.4); short protein forms V1979*.
Identifiers: ClinVar variation 466546 (VCV000466546.11), dbSNP rs749652788, ClinGen allele CA7534305.